The following is an entry in ClinVar:

ClinVar aggregate classification (germline): Pathogenic (1 of 4 stars; one submission).

Conditions:
Baller-Gerold syndrome (BGS). Also called: CRANIOSYNOSTOSIS WITH RADIAL DEFECTS. Identifiers: Orphanet 1225, MedGen C0265308, MONDO:0009039, OMIM 218600.

Submission:

Labcorp Genetics (formerly Invitae), Labcorp
Classification: Pathogenic for Baller-Gerold syndrome. Last evaluated: 2022-10-04. Review status: criteria provided, single submitter. Criteria: Invitae Variant Classification Sherloc (09022015). Collection method: clinical testing. Allele origin: germline.
Comment: This variant has not been reported in the literature in individuals affected with RECQL4-related conditions. For these reasons, this variant has been classified as Pathogenic. This sequence change creates a premature translational stop signal (p.Cys403*) in the RECQL4 gene. It is expected to result in an absent or disrupted protein product. Loss-of-function variants in RECQL4 are known to be pathogenic (PMID: 12734318, 12952869). This variant is not present in population databases (gnomAD no frequency).

Literature cited by the submitters: PubMed 12734318; PubMed 12952869.

NM_004260.4(RECQL4):c.1209T>A (p.Cys403Ter)

Gene: RECQL4 (RecQ like helicase 4; minus strand). Cytogenetic location: 8q24.3.
Variant type: single nucleotide variant.
Coding change: c.1209T>A on transcript NM_004260.4 (MANE Select); coding-DNA position 1209, T replaced by A.
Protein change: p.Cys403Ter; replaces cysteine 403 with a stop codon.
Molecular consequence: nonsense. On other transcripts: missense variant (5).
Genome position (GRCh38, 1-based): chr8:144,515,813, A>T on the plus strand (T>A on the coding strand, the complement: RECQL4 is on the minus strand). VCF-style: chr8-144515813-A-T. GRCh37 (hg19) VCF-style: chr8-145741197-A-T.
Other names: c.1113T>A, p.Cys371Ter (NM_001413017.1, NM_001413020.1); c.1209T>A, p.Cys403Ter (NM_001413018.1, NM_001413019.1, NM_001413033.1 and 2 more transcripts); c.138T>A, p.Cys46Ter (NM_001413021.1, NM_001413022.1, NM_001413023.1 and 8 more transcripts); c.1080T>A, p.Cys360Ter (NM_001413025.1); c.76T>A, p.Phe26Ile (NM_001413027.1, NM_001413030.1, NM_001413031.1 and 2 more transcripts); c.858T>A, p.Cys286Ter (NM_001413029.1); short protein forms F26I, C371*, C46*, C286*, C360*, C403*.
Identifiers: ClinVar variation 2033981 (VCV002033981.4), dbSNP rs949806741, ClinGen allele CA372687497.